The following is an entry in ClinVar:

ClinVar aggregate classification (germline): Pathogenic (0 of 4 stars; one submission).

Conditions:
Pyruvate dehydrogenase E1-alpha deficiency (PDHAD). Also called: ATAXIA, INTERMITTENT, WITH PYRUVATE DEHYDROGENASE DEFICIENCY; ATAXIA WITH LACTIC ACIDOSIS I; ATAXIA, INTERMITTENT, WITH ABNORMAL PYRUVATE METABOLISM; Ataxia, intermittent, with pyruvate dehydrogenase, or decarboxylase, deficiency. Identifiers: Orphanet 79243, MedGen C1839413, MONDO:0010717, OMIM 312170.

Submission:

PDHA1 Study Group, University Children’s Hospital, Paracelsus Medical University
Classification: Pathogenic for Pyruvate dehydrogenase E1-alpha deficiency. Last evaluated: 2024-10-15. Review status: no assertion criteria provided. Collection method: research. Allele origin: de novo. Affected: yes. Observed: 1 variant allele.
Comment: The NM_000284.3:c.1081_1125dup (p.Leu361_Phe375dup) change is a deletion-insertion (delins) variant in PDHA1 gene. Among them, 1 case had confirmed de novo occurrence. Last literature search: July 12, 2024. This variant is absent or extremely rare in population-based cohorts in the Genome Aggregation Database (gnomAD). Individuals harboring this variant presented with clinical features compatible with PDHA1-related PDHc deficiency. In summary, this variant meets criteria to be classified as pathogenic (P) for PDHA1-related PDHc deficiency based on the ACMG/AMP criteria applied: PS2, PM1, PM2, PM4 (last assessment October 15, 2024).

Literature cited by the submitters: DOI 10.1093/brain/awaf430.

NM_000284.4(PDHA1):c.1081_1125dup (p.Phe375_Glu376insLeuGluGluLeuGlyTyrHisIleTyrSerSerAspProProPhe)

Gene: PDHA1 (pyruvate dehydrogenase E1 subunit alpha 1; plus strand). Cytogenetic location: Xp22.12.
Variant type: Duplication.
Coding change: c.1081_1125dup on transcript NM_000284.4 (MANE Select); coding-DNA positions 1081 to 1125, 45 bases duplicated.
Protein change: p.Phe375_Glu376insLeuGluGluLeuGlyTyrHisIleTyrSerSerAspProProPhe.
Molecular consequence: inframe insertion.
Genome position (GRCh38, 1-based): chrX:19,359,561-19,359,605, 45 bases duplicated; duplicating any 45 consecutive bases within chrX:19,359,560-19,359,605 gives the same sequence; the c. name uses the placement nearest the transcript's 3' end. GRCh37 (hg19): chrX:19,377,679-19,377,723.
Other names: c.1195_1239dup, p.Phe413_Glu414insLeuGluGluLeuGlyTyrHisIleTyrSerSerAspProProPhe (NM_001173454.2); c.1102_1146dup, p.Phe382_Glu383insLeuGluGluLeuGlyTyrHisIleTyrSerSerAspProProPhe (NM_001173455.2); c.988_1032dup, p.Phe344_Glu345insLeuGluGluLeuGlyTyrHisIleTyrSerSerAspProProPhe (NM_001173456.2).
Identifiers: ClinVar variation 4070445 (VCV004070445.1).
Genomic context (GRCh38, chrX:19,359,559, plus strand): 5'-TGGAAGTGAGGAAGGAGATTGAGGATGCTGCCCAGTTTGCCACGGCCGATCCTGAGCCAC[C>CTTTGGAAGAGCTGGGCTACCACATCTACTCCAGCGACCCACCTTT]TTTGGAAGAGCTGGGCTACCACATCTACTCCAGCGACCCACCTTTTGAAGTTCGTGGTGC-3'